The following is an entry in ClinVar:

ClinVar aggregate classification (germline): Uncertain significance (1 of 4 stars; one submission).

Submission:

Labcorp Genetics (formerly Invitae), Labcorp
Classification: Uncertain significance. Last evaluated: 2022-09-07. Review status: criteria provided, single submitter. Criteria: Invitae Variant Classification Sherloc (09022015). Collection method: clinical testing. Allele origin: germline.
Comment: Algorithms developed to predict the effect of missense changes on protein structure and function (SIFT, PolyPhen-2, Align-GVGD) all suggest that this variant is likely to be tolerated. In summary, the available evidence is currently insufficient to determine the role of this variant in disease. Therefore, it has been classified as a Variant of Uncertain Significance. This variant has not been reported in the literature in individuals affected with AP3B2-related conditions. This variant is not present in population databases (gnomAD no frequency). This sequence change replaces methionine, which is neutral and non-polar, with valine, which is neutral and non-polar, at codon 526 of the AP3B2 protein (p.Met526Val).

NM_001278512.2(AP3B2):c.1576A>G (p.Met526Val)

Genes: AP3B2 (adaptor related protein complex 3 subunit beta 2; minus strand), CPEB1-AS1 (CPEB1 antisense RNA 1; plus strand). Cytogenetic location: 15q25.2.
Variant type: single nucleotide variant.
Coding change: c.1576A>G on transcript NM_001278512.2 (MANE Select); coding-DNA position 1576, A replaced by G.
Protein change: p.Met526Val; replaces methionine 526 with valine.
Molecular consequence: missense variant.
Genome position (GRCh38, 1-based): chr15:82,676,550, T>C on the plus strand (A>G on the coding strand, the complement: AP3B2 is on the minus strand). VCF-style: chr15-82676550-T-C. GRCh37 (hg19) VCF-style: chr15-83345302-T-C.
Other names: c.1480A>G, p.Met494Val (NM_001278511.2); c.1576A>G, p.Met526Val (NM_004644.5); short protein forms M494V, M526V.
Identifiers: ClinVar variation 2015275 (VCV002015275.4), dbSNP rs2548707438, ClinGen allele CA393315248.